The following is an entry in ClinVar:

NM_002608.4(PDGFB):c.386G>A (p.Arg129His)

Gene: PDGFB (platelet derived growth factor subunit B; minus strand). Cytogenetic location: 22q13.1.
Variant type: single nucleotide variant.
Coding change: c.386G>A on transcript NM_002608.4 (MANE Select); coding-DNA position 386, G replaced by A.
Protein change: p.Arg129His; replaces arginine 129 with histidine.
Molecular consequence: missense variant.
Genome position (GRCh38, 1-based): chr22:39,231,692, C>T on the plus strand (G>A on the coding strand, the complement: PDGFB is on the minus strand). VCF-style: chr22-39231692-C-T. GRCh37 (hg19) VCF-style: chr22-39627697-C-T.
Other names: c.341G>A, p.Arg114His (NM_033016.3); short protein forms R129H, R114H.
Identifiers: ClinVar variation 372686 (VCV000372686.1), dbSNP rs1057517925, ClinGen allele CA16043180.

ClinVar aggregate classification (germline): Uncertain significance (1 of 4 stars; one submission).

Allele frequency attached by ClinVar (database versions not stated): TOPMed 0.00003 and 0.00002; gnomAD exomes below 0.00001; gnomAD 0.00005.

Submission:

GeneDx
Classification: Uncertain significance. Last evaluated: 2016-12-02. Review status: criteria provided, single submitter. Criteria: GeneDx Variant Classification (06012015). Collection method: clinical testing. Allele origin: germline. Affected: yes.
Comment: The R129H variant in the PDGFB gene has not been published as a pathogenic variant, nor has it been reported as a benign polymorphism to our knowledge. This variant was not observed in approximately 6,500 individuals of European and African American ancestry in the NHLBI Exome Sequencing Project, indicating it is not a common benign variant in these populations. The R129H variant is a conservative amino acid substitution, which is not likely to impact secondary protein structure as these residues share similar properties. However, this substitution occurs at a position that is conserved across species, and in silico analysis predicts this variant is probably damaging to the protein structure/function. We interpret R129H as a variant of uncertain significance.